The following is an entry in ClinVar:

NM_178526.5(SLC25A42):c.382G>T (p.Ala128Ser)

Gene: SLC25A42 (solute carrier family 25 member 42; plus strand). Cytogenetic location: 19p13.11.
Variant type: single nucleotide variant.
Coding change: c.382G>T on transcript NM_178526.5 (MANE Select); coding-DNA position 382, G replaced by T.
Protein change: p.Ala128Ser; replaces alanine 128 with serine.
Molecular consequence: missense variant.
Genome position (GRCh38, 1-based): chr19:19,106,270, G>T. VCF-style: chr19-19106270-G-T. GRCh37 (hg19) VCF-style: chr19-19217079-G-T.
Other names: c.382G>T, p.Ala128Ser (NM_001321544.2); short protein forms A128S.
Identifiers: ClinVar variation 2078948 (VCV002078948.4), dbSNP rs1447440705, ClinGen allele CA404893210.

ClinVar aggregate classification (germline): Uncertain significance (1 of 4 stars; one submission).

Allele frequency attached by ClinVar (database versions not stated): gnomAD exomes below 0.00001; TOPMed below 0.00001; gnomAD 0.00001.
gnomAD v4.1: 6 of 1,610,754 alleles (0.00037%); highest among the groups gnomAD compares: African/African-American, 0.0013%; no homozygotes.

Submission:

Labcorp Genetics (formerly Invitae), Labcorp
Classification: Uncertain significance. Last evaluated: 2022-07-24. Review status: criteria provided, single submitter. Criteria: Invitae Variant Classification Sherloc (09022015). Collection method: clinical testing. Allele origin: germline.
Comment: Algorithms developed to predict the effect of missense changes on protein structure and function (SIFT, PolyPhen-2, Align-GVGD) all suggest that this variant is likely to be tolerated. This variant has not been reported in the literature in individuals affected with SLC25A42-related conditions. This variant is present in population databases (no rsID available, gnomAD 0.007%). This sequence change replaces alanine, which is neutral and non-polar, with serine, which is neutral and polar, at codon 128 of the SLC25A42 protein (p.Ala128Ser). In summary, the available evidence is currently insufficient to determine the role of this variant in disease. Therefore, it has been classified as a Variant of Uncertain Significance.